The following is an entry in ClinVar:

NM_000059.4(BRCA2):c.3051del (p.Lys1018fs)

Gene: BRCA2 (BRCA2 DNA repair associated; plus strand). Cytogenetic location: 13q13.1.
Variant type: Deletion.
Coding change: c.3051del on transcript NM_000059.4 (MANE Select); coding-DNA position 3051, one base deleted (C; older notation c.3051delC).
Protein change: p.Lys1018fs; shifts the reading frame from lysine 1018.
Molecular consequence: frameshift variant.
Genome position (GRCh38, 1-based): chr13:32,337,406, C deleted. VCF-style (leftmost placement, unchanged base first): chr13-32337405-TC-T. GRCh37 (hg19) VCF-style: chr13-32911542-TC-T.
Other names: 3279delC; c.3051delC (NM_000059.3).
Identifiers: ClinVar variation 51389 (VCV000051389.19), dbSNP rs80359367, ClinGen allele CA017092.

ClinVar aggregate classification (germline): Pathogenic. Review status: reviewed by expert panel (3 of 4 stars). 9 submissions from 9 submitters: Pathogenic (1). 8 of the submissions do not count toward it. Last evaluated 2016-09-08.

Conditions:
Hereditary breast ovarian cancer syndrome. Also called: Hereditary breast and ovarian cancer syndrome; Hereditary breast and ovarian cancer; Hereditary breast and ovarian cancer syndrome (HBOC); Breast and ovarian cancer; Hereditary breast and/or ovarian cancer syndrome; BRCA1- and BRCA2-Associated Hereditary Breast and Ovarian Cancer. Identifiers: Orphanet 145, MedGen C0677776, MeSH D061325, MONDO:0003582. Disease mechanism: loss of function.
Hereditary cancer-predisposing syndrome. Also called: Neoplastic Syndromes, Hereditary; Tumor predisposition; Hereditary Cancer Syndrome; Hereditary neoplastic syndrome. Identifiers: Orphanet 140162, MedGen C0027672, MeSH D009386, MONDO:0015356.
Breast-ovarian cancer, familial, susceptibility to, 2 (BROVCA2). Also called: BRCA2 Hereditary Breast and Ovarian Cancer. Identifiers: Orphanet 145, MedGen C2675520, MONDO:0012933, OMIM 612555. Disease mechanism: loss of function.

Submissions (9):

Evidence-based Network for the Interpretation of Germline Mutant Alleles (ENIGMA)
Classification: Pathogenic for Breast-ovarian cancer, familial, susceptibility to, 2. Last evaluated: 2016-09-08. Review status: reviewed by expert panel. Criteria: ENIGMA BRCA1/2 Classification Criteria (2015). Collection method: curation. Allele origin: germline.
Comment: Variant allele predicted to encode a truncated non-functional protein.

Ambry Genetics
Classification: Pathogenic for Hereditary cancer-predisposing syndrome. Last evaluated: 2024-12-06. Review status: criteria provided, single submitter. Criteria: Ambry Variant Classification Scheme 2023. Collection method: clinical testing. Allele origin: germline. Not counted in ClinVar's aggregate classification.
Comment: The c.3051delC pathogenic mutation, located in coding exon 10 of the BRCA2 gene, results from a deletion of one nucleotide at nucleotide position 3051, causing a translational frameshift with a predicted alternate stop codon (p.K1018Sfs*25). This alteration was identified in a family with breast and/or ovarian cancer from Germany (Hamann U et al. J Med Genet, 2002 Mar;39:E12). Additionally, this alteration was identified in a large, worldwide study of BRCA1/2 mutation positive families (Rebbeck TR et al. Hum Mutat, 2018 05;39:593-620). Of note, this alteration is also designated as 3279delC in published literature. This variant is considered to be rare based on population cohorts in the Genome Aggregation Database (gnomAD). In addition to the clinical data presented in the literature, this alteration is expected to result in loss of function by premature protein truncation or nonsense-mediated mRNA decay. As such, this alteration is interpreted as a disease-causing mutation.

GeneDx
Classification: Pathogenic. Last evaluated: 2022-07-11. Review status: criteria provided, single submitter. Criteria: GeneDx Variant Classification Process June 2021. Collection method: clinical testing. Allele origin: germline. Affected: yes. Not counted in ClinVar's aggregate classification.
Comment: Frameshift variant predicted to result in protein truncation or nonsense mediated decay in a gene for which loss of function is a known mechanism of disease; Truncating variants in this gene are considered pathogenic by a well-established clinical consortium and/or database; Not observed at significant frequency in large population cohorts (gnomAD); Observed in association with hereditary breast and ovarian cancer (Hamann et al., 2002); Also known as 3279delC; This variant is associated with the following publications: (PMID: 11897832)

Labcorp Genetics (formerly Invitae), Labcorp
Classification: Pathogenic for Hereditary breast ovarian cancer syndrome. Last evaluated: 2021-05-18. Review status: criteria provided, single submitter. Criteria: Invitae Variant Classification Sherloc (09022015). Collection method: clinical testing. Allele origin: germline. Not counted in ClinVar's aggregate classification.
Comment: This variant is not present in population databases (ExAC no frequency). This sequence change creates a premature translational stop signal (p.Lys1018Serfs*25) in the BRCA2 gene. It is expected to result in an absent or disrupted protein product. Loss-of-function variants in BRCA2 are known to be pathogenic (PMID: 20104584). This variant has been observed in individual(s) with a personal and/or family history of breast and/or ovarian cancer (PMID: 11897832, 24156927). This variant is also known as 3279delC in the literature. ClinVar contains an entry for this variant (Variation ID: 51389). For these reasons, this variant has been classified as Pathogenic.

Color Diagnostics, LLC DBA Color Health
Classification: Pathogenic for Hereditary cancer-predisposing syndrome. Last evaluated: 2021-02-16. Review status: criteria provided, single submitter. Criteria: ACMG Guidelines, 2015. Collection method: clinical testing. Allele origin: germline. Not counted in ClinVar's aggregate classification.
Comment: This variant deletes 1 nucleotide in exon 11 of the BRCA2 gene, creating a frameshift and premature translation stop signal. This variant is expected to result in an absent or non-functional protein product. To our knowledge, functional studies have not been reported for this variant. This variant has been reported in individuals affected with breast/ovarian cancer (PMID: 11897832, 24156927, 26941049, 27153395). This variant has not been identified in the general population by the Genome Aggregation Database (gnomAD). Loss of BRCA2 function is a known mechanism of disease. Based on the available evidence, this variant is classified as Pathogenic.

Department of Pathology and Molecular Medicine, Queen's University
Classification: Pathogenic for Hereditary breast ovarian cancer syndrome. Last evaluated: 2017-04-20. Review status: criteria provided, single submitter. Criteria: ACMG Guidelines, 2015. Collection method: clinical testing. Allele origin: germline. Study: The Canadian Open Genetics Repository (COGR). Not counted in ClinVar's aggregate classification.

Consortium of Investigators of Modifiers of BRCA1/2 (CIMBA), c/o University of Cambridge
Classification: Pathogenic for Breast-ovarian cancer, familial, susceptibility to, 2. Last evaluated: 2015-10-02. Review status: criteria provided, single submitter. Criteria: CIMBA Mutation Classification guidelines May 2016. Collection method: clinical testing. Allele origin: germline. Not counted in ClinVar's aggregate classification.

Research Molecular Genetics Laboratory, Women's College Hospital, University of Toronto
Classification: Pathogenic for Hereditary breast ovarian cancer syndrome. Last evaluated: 2014-01-31. Review status: no assertion criteria provided. Collection method: research. Allele origin: germline. Affected: yes. Study: The Canadian Open Genetics Repository (COGR). Not counted in ClinVar's aggregate classification.

Breast Cancer Information Core (BIC) (BRCA2)
Classification: Pathogenic for Breast-ovarian cancer, familial 2. Last evaluated: 2002-05-29. Review status: no assertion criteria provided. Collection method: clinical testing. Allele origin: germline. Affected: yes. Observed: 1 variant allele. Not counted in ClinVar's aggregate classification.

Literature cited by the submitters: PubMed 11897832 (cited by Ambry Genetics and Labcorp Genetics (formerly Invitae), Labcorp); PubMed 29446198 (cited by Ambry Genetics); PubMed 20104584 (cited by Labcorp Genetics (formerly Invitae), Labcorp); PubMed 24156927 (cited by Labcorp Genetics (formerly Invitae), Labcorp).